The following is an entry in ClinVar:

ClinVar aggregate classification (germline): Uncertain significance. Review status: criteria provided, multiple submitters, no conflicts (2 of 4 stars). 2 submissions from 2 submitters: Uncertain significance (2). Last evaluated 2025-11-05.

Conditions:
Dyskeratosis congenita, autosomal dominant 2. Identifiers: MedGen C3151443, MONDO:0013521, OMIM 613989.
Idiopathic Pulmonary Fibrosis. Also called: Idiopathic fibrosing alveolitis, chronic form; idiopathic fibrosing alveolitis. Identifiers: Orphanet 2032, MedGen C1800706, MeSH D054990, MONDO:0800504.
Dyskeratosis congenita. Identifiers: Orphanet 1775, MedGen C0265965, MONDO:0015780.

Allele frequency attached by ClinVar (database versions not stated): gnomAD exomes below 0.00001.
gnomAD v4.1: 1 of 1,612,402 alleles (0.000062%); highest among the groups gnomAD compares: Middle Eastern, 0.016%; no homozygotes.

Submissions (2):

Ambry Genetics
Classification: Uncertain significance for Dyskeratosis congenita. Last evaluated: 2025-11-05. Review status: criteria provided, single submitter. Criteria: Ambry Variant Classification Scheme 2023. Collection method: clinical testing. Allele origin: germline.
Comment: The c.2582+3G>A intronic variant results from a G to A substitution 3 nucleotides after coding exon 9 in the TERT gene. This nucleotide position is poorly conserved in available vertebrate species. In silico splice site analysis predicts that this alteration will not have any significant effect on splicing. Based on the available evidence, the clinical significance of this variant remains unclear.

Labcorp Genetics (formerly Invitae), Labcorp
Classification: Uncertain significance for Dyskeratosis congenita, autosomal dominant 2; Idiopathic Pulmonary Fibrosis. Last evaluated: 2019-02-27. Review status: criteria provided, single submitter. Criteria: Invitae Variant Classification Sherloc (09022015). Collection method: clinical testing. Allele origin: germline.
Comment: This variant is not present in population databases (ExAC no frequency). In summary, the available evidence is currently insufficient to determine the role of this variant in disease. Therefore, it has been classified as a Variant of Uncertain Significance. Nucleotide substitutions within the consensus splice site are a relatively common cause of aberrant splicing (PMID: 17576681, 9536098). Algorithms developed to predict the effect of sequence changes on RNA splicing suggest that this variant is not likely to affect RNA splicing, but this prediction has not been confirmed by published transcriptional studies. This variant has not been reported in the literature in individuals with TERT-related conditions. This sequence change falls in intron 9 of the TERT gene. It does not directly change the encoded amino acid sequence of the TERT protein, but it affects a nucleotide within the consensus splice site of the intron.

Literature cited by the submitters: PubMed 17576681 (cited by Labcorp Genetics (formerly Invitae), Labcorp); PubMed 9536098 (cited by Labcorp Genetics (formerly Invitae), Labcorp).

NM_198253.3(TERT):c.2582+3G>A

Gene: TERT (telomerase reverse transcriptase; minus strand). Cytogenetic location: 5p15.33.
Variant type: single nucleotide variant.
Coding change: c.2582+3G>A on transcript NM_198253.3 (MANE Select); 3 bases into the intron after coding-DNA position 2582, G replaced by A.
Molecular consequence: intron variant.
Genome position (GRCh38, 1-based): chr5:1,268,517, C>T on the plus strand (G>A on the coding strand, the complement: TERT is on the minus strand). VCF-style: chr5-1268517-C-T. GRCh37 (hg19) VCF-style: chr5-1268632-C-T.
Other names: c.2582+3G>A (NM_001193376.3).
Identifiers: ClinVar variation 841977 (VCV000841977.9), dbSNP rs1748779829, ClinGen allele CA916081461.